The following is an entry in ClinVar:

NM_173628.4(DNAH17):c.54C>T (p.Ile18=)

Gene: DNAH17 (dynein axonemal heavy chain 17; minus strand). Cytogenetic location: 17q25.3.
Variant type: single nucleotide variant.
Coding change: c.54C>T on transcript NM_173628.4 (MANE Select); coding-DNA position 54, C replaced by T.
Protein change: p.Ile18=; no amino-acid change (isoleucine 18 retained).
Molecular consequence: synonymous variant.
Genome position (GRCh38, 1-based): chr17:78,575,004, G>A on the plus strand (C>T on the coding strand, the complement: DNAH17 is on the minus strand). VCF-style: chr17-78575004-G-A. GRCh37 (hg19) VCF-style: chr17-76571086-G-A.
Identifiers: ClinVar variation 5041224 (VCV005041224.1).
Genomic context (GRCh38, chr17:78,575,004, plus strand): 5'-GGCCACGTTCTCCTCGGCGCCTATCAGCTTGCTCCACTTGTCCGGCTTGAACTTCAGGAC[G>A]ATGGAGGCAACTTCCTCCAGATACTCTAGTCTGACGTCCGGGGCCATTGTCATCTTGGCC-3'
Protein context (NP_775899.3, residues 8-28): RLEYLEEVAS[Ile18=]VLKFKPDKWS

ClinVar aggregate classification (germline): Likely benign (1 of 4 stars; one submission).

gnomAD v4.1: 44 of 1,613,880 alleles (0.0027%); highest among the groups gnomAD compares: Admixed American, 0.02%; no homozygotes.

Submission:

CeGaT Center for Human Genetics Tuebingen
Classification: Likely benign. Last evaluated: 2026-09-01. Review status: criteria provided, single submitter. Criteria: CeGaT Center For Human Genetics Tuebingen Variant Classification Criteria Version 2. Collection method: clinical testing. Allele origin: germline. Affected: yes. Observed: 1 variant allele.
Comment: DNAH17: BP4, BP7